The following is an entry in ClinVar:

NM_001035.3(RYR2):c.139T>C (p.Cys47Arg)

Gene: RYR2 (ryanodine receptor 2; plus strand). Cytogenetic location: 1q43.
Variant type: single nucleotide variant.
Coding change: c.139T>C on transcript NM_001035.3 (MANE Select); coding-DNA position 139, T replaced by C.
Protein change: p.Cys47Arg; replaces cysteine 47 with arginine.
Molecular consequence: missense variant.
Genome position (GRCh38, 1-based): chr1:237,270,587, T>C. VCF-style: chr1-237270587-T-C. GRCh37 (hg19) VCF-style: chr1-237433887-T-C.
Other names: short protein forms C47R.
Identifiers: ClinVar variation 1805396 (VCV001805396.1), dbSNP rs2528051422, ClinGen allele CA345654453.
Genomic context (GRCh38, chr1:237,270,587, plus strand): 5'-ACCATCCACAAAGAACAACAGAAGCTATGCTTGGCAGCAGAAGGATTTGGCAACAGACTT[T>C]GTTTCTTGGAGTCCACTTCCAATTCCAAGGTGGGATGAAGTCTTTCAAGGCTATTCAAAT-3'
Protein context (NP_001026.2, residues 37-57): LAAEGFGNRL[Cys47Arg]FLESTSNSKN

ClinVar aggregate classification (germline): Likely pathogenic (1 of 4 stars; one submission).

Conditions:
Catecholaminergic polymorphic ventricular tachycardia 1. Also called: VENTRICULAR TACHYCARDIA, CATECHOLAMINERGIC POLYMORPHIC, 1, WITH OR WITHOUT ATRIAL DYSFUNCTION AND/OR DILATED CARDIOMYOPATHY; RYR2-Related Catecholaminergic Polymorphic Ventricular Tachycardia; VENTRICULAR TACHYCARDIA, STRESS-INDUCED POLYMORPHIC 1. Identifiers: Orphanet 3286, MedGen C1631597, MONDO:0011484, OMIM 604772.

Submission:

Victorian Clinical Genetics Services, Murdoch Childrens Research Institute
Classification: Likely pathogenic for Catecholaminergic polymorphic ventricular tachycardia 1. Last evaluated: 2022-03-31. Review status: criteria provided, single submitter. Criteria: ACMG Guidelines, 2015. Collection method: clinical testing. Allele origin: germline. Inheritance: Autosomal dominant inheritance. Affected: yes.
Comment: Based on the classification scheme VCGS_Germline_v1.3.4, this variant is classified as Likely pathogenic. Following criteria are met: 0103 - Dominant negative and gain of function are known mechanisms of disease in this gene and are associated with catecholaminergic polymorphic ventricular tachycardia 1 (MIM#604772) and left ventricular non-compaction (PMIDs: 12459180, 27646203, 29477366, 31875585, 33500567). (I) 0107 - This gene is associated with autosomal dominant disease. (I) 0112 - The condition associated with this gene has incomplete penetrance. Penetrance for CPVT is estimated to be 60-70% (PMID: 23549275). (I) 0200 - Variant is predicted to result in a missense amino acid change from cysteine to arginine. (I) 0251 - This variant is heterozygous. (I) 0301 - Variant is absent from gnomAD (both v2 and v3). (SP) 0501 - Missense variant consistently predicted to be damaging by multiple in silico tools or highly conserved with a major amino acid change. (SP) 0600 - Variant is located in the annotated Inositol 1,4,5-trisphosphate/ryanodine receptor domain (NCBI). (I) 0710 - Another missense variant comparable to the one identified in this case has inconclusive previous evidence for pathogenicity. An alternative change to a tryptophan has been reported once as VUS (Global Variome shared LOVD). (I) 0807 - This variant has no previous evidence of pathogenicity. (I) 0905 - No published segregation evidence has been identified for this variant. (I) 1007 - No published functional evidence has been identified for this variant. (SP) Legend: (SP) - Supporting pathogenic, (I) - Information, (SB) - Supporting benign

Literature cited by the submitters: PubMed 12459180; PubMed 23549275; PubMed 27646203; PubMed 29477366; PubMed 31875585; PubMed 33500567.